The following is an entry in ClinVar:

NM_000135.4(FANCA):c.2530T>G (p.Ser844Ala)

Gene: FANCA (FA complementation group A; minus strand). Cytogenetic location: 16q24.3.
Variant type: single nucleotide variant.
Coding change: c.2530T>G on transcript NM_000135.4 (MANE Select); coding-DNA position 2530, T replaced by G.
Protein change: p.Ser844Ala; replaces serine 844 with alanine.
Molecular consequence: missense variant.
Genome position (GRCh38, 1-based): chr16:89,767,212, A>C on the plus strand (T>G on the coding strand, the complement: FANCA is on the minus strand). VCF-style: chr16-89767212-A-C. GRCh37 (hg19) VCF-style: chr16-89833620-A-C.
Other names: c.2530T>G, p.Ser844Ala (NM_001286167.3); short protein forms S844A.
Identifiers: ClinVar variation 5003123 (VCV005003123.1).

ClinVar aggregate classification (germline): Uncertain significance (1 of 4 stars; one submission).

Conditions:
Fanconi anemia complementation group A (FANCA). Also called: Fanconi anemia, group A; FANCA-Related Fanconi Anemia. Identifiers: Orphanet 84, MedGen C3469521, MONDO:0009215, OMIM 227650.

Submission:

OLLIN Analises Genomicas, OLLIN
Classification: Uncertain significance for Fanconi anemia complementation group A. Last evaluated: 2026-08-06. Review status: criteria provided, single submitter. Criteria: ACMG Guidelines 2015 PMID 25741868. Collection method: clinical testing. Allele origin: germline. Inheritance: Autosomal recessive inheritance.
Comment: This missense variant, located in exon 27 (of 43), is absent from gnomAD and ClinVar and has not been identified in the literature. In silico analysis predicts that this variant has a tolerated effect. According to the currently available evidence, this variant has been classified as uncertain significance (PM2_P, BP4_M).